The following is an entry in ClinVar:

NM_001146262.4(SYT14):c.398C>T (p.Ser133Leu)

Gene: SYT14 (synaptotagmin 14; plus strand). Cytogenetic location: 1q32.2.
Variant type: single nucleotide variant.
Coding change: c.398C>T on transcript NM_001146262.4 (MANE Select); coding-DNA position 398, C replaced by T.
Protein change: p.Ser133Leu; replaces serine 133 with leucine.
Molecular consequence: missense variant. On other transcripts: non-coding transcript variant (1).
Genome position (GRCh38, 1-based): chr1:210,021,210, C>T. VCF-style: chr1-210021210-C-T. GRCh37 (hg19) VCF-style: chr1-210194555-C-T.
Other names: c.533C>T, p.Ser178Leu (NM_001146261.4, NM_001146264.4); c.284C>T, p.Ser95Leu (NM_001256006.3); c.1268C>T, p.Ser423Leu (NM_001397544.1, NM_001397545.1); c.398C>T, p.Ser133Leu (NM_153262.5); short protein forms S133L, S178L, S95L, S423L.
Identifiers: ClinVar variation 805535 (VCV000805535.8), dbSNP rs145963511, ClinGen allele CA1378254.

ClinVar aggregate classification (germline): Conflicting classifications of pathogenicity. Review status: criteria provided, conflicting classifications (1 of 4 stars). 3 submissions from 3 submitters: Uncertain significance (2); Likely benign (1). Last evaluated 2025-06-02.

Allele frequency attached by ClinVar (database versions not stated): gnomAD 0.00019 and 0.00021; ESP Exome Variant Server 0.00023; TOPMed 0.00023; 1000 Genomes Project 30x 0.00031; 1000 Genomes Project 0.00040.
gnomAD v4.1: 533 of 1,613,900 alleles (0.033%); highest among the groups gnomAD compares: Non-Finnish European, 0.042%; no homozygotes.

Submissions (3):

Athena Diagnostics
Classification: Likely benign. Last evaluated: 2025-06-02. Review status: criteria provided, single submitter. Criteria: Athena Diagnostics Criteria. Collection method: clinical testing. Allele origin: unknown.
Comment: The frequency of this variant in the general population is higher than would generally be expected for pathogenic variants in this gene. Computational tools predict this amino acid change may be benign. This variant has been seen where an alternate explanation for disease was also identified.

Blueprint Genetics
Classification: Uncertain significance. Last evaluated: 2024-06-19. Review status: criteria provided, single submitter. Criteria: ACMG Guidelines, 2015. Collection method: clinical testing. Allele origin: germline.

Ambry Genetics
Classification: Uncertain significance. Last evaluated: 2021-08-09. Review status: criteria provided, single submitter. Criteria: Ambry Variant Classification Scheme 2023. Collection method: clinical testing. Allele origin: germline.

Literature cited by the submitters: PubMed 29590070 (cited by Athena Diagnostics).